The following is an entry in ClinVar:

ClinVar aggregate classification (germline): Uncertain significance (1 of 4 stars; one submission).

Conditions:
Long QT syndrome (LQTS). Identifiers: MedGen C0023976, MeSH D008133, MONDO:0002442. Disease mechanism: loss of function. Inheritance: Various modes of inheritance.

Submission:

Labcorp Genetics (formerly Invitae), Labcorp
Classification: Uncertain significance for Long QT syndrome. Last evaluated: 2025-07-27. Review status: criteria provided, single submitter. Criteria: Invitae Variant Classification Sherloc (09022015). Collection method: clinical testing. Allele origin: germline.
Comment: This sequence change replaces serine, which is neutral and polar, with proline, which is neutral and non-polar, at codon 1243 of the ANK2 protein (p.Ser1243Pro). This variant is not present in population databases (gnomAD no frequency). This variant has not been reported in the literature in individuals affected with ANK2-related conditions. Invitae Evidence Modeling of protein sequence and biophysical properties (such as structural, functional, and spatial information, amino acid conservation, physicochemical variation, residue mobility, and thermodynamic stability) has been performed for this missense variant. However, the output from this modeling did not meet the statistical confidence thresholds required to predict the impact of this variant on ANK2 protein function. In summary, the available evidence is currently insufficient to determine the role of this variant in disease. Therefore, it has been classified as a Variant of Uncertain Significance.

NM_001148.6(ANK2):c.3727T>C (p.Ser1243Pro)

Gene: ANK2 (ankyrin 2; plus strand). Cytogenetic location: 4q26.
Variant type: single nucleotide variant.
Coding change: c.3727T>C on transcript NM_001148.6 (MANE Select); coding-DNA position 3727, T replaced by C.
Protein change: p.Ser1243Pro; replaces serine 1243 with proline.
Molecular consequence: missense variant.
Genome position (GRCh38, 1-based): chr4:113,336,712, T>C. VCF-style: chr4-113336712-T-C. GRCh37 (hg19) VCF-style: chr4-114257868-T-C.
Other names: c.3664T>C, p.Ser1222Pro (NM_001354255.2, NM_001386143.1, NM_001354243.2); c.3661T>C, p.Ser1221Pro (NM_001354256.2, NM_001386161.1, NM_001354244.2); c.3466T>C, p.Ser1156Pro (NM_001354257.2, NM_001386156.1); c.3628T>C, p.Ser1210Pro (NM_001354258.2, NM_001354228.2); c.3442T>C, p.Ser1148Pro (NM_001354260.2, NM_001354271.2, NM_001386151.1); c.3586T>C, p.Ser1196Pro (NM_001354261.2, NM_001386147.1); c.3565T>C, p.Ser1189Pro (NM_001354262.2, NM_001354275.2, NM_001354245.2); c.3562T>C, p.Ser1188Pro (NM_001354264.2); and 31 more; short protein forms S1148P, S1172P, S1177P, S1189P, S1191P, S1221P, S1222P, S1233P.
Identifiers: ClinVar variation 4744552 (VCV004744552.1).